The following is an entry in ClinVar:

NM_000252.3(MTM1):c.944A>G (p.His315Arg)

Gene: MTM1 (myotubularin 1; plus strand). Cytogenetic location: Xq28.
Variant type: single nucleotide variant.
Coding change: c.944A>G on transcript NM_000252.3 (MANE Select); coding-DNA position 944, A replaced by G.
Protein change: p.His315Arg; replaces histidine 315 with arginine.
Molecular consequence: missense variant.
Genome position (GRCh38, 1-based): chrX:150,649,792, A>G. VCF-style: chrX-150649792-A-G. GRCh37 (hg19) VCF-style: chrX-149818265-A-G.
Other names: c.944A>G, p.His315Arg (NM_001376906.1, NM_001376908.1); c.833A>G, p.His278Arg (NM_001376907.1); short protein forms H278R, H315R.
Identifiers: ClinVar variation 1345459 (VCV001345459.6), dbSNP rs2148497817, ClinGen allele CA415257002.

ClinVar aggregate classification (germline): Uncertain significance (1 of 4 stars; one submission).

Conditions:
Severe X-linked myotubular myopathy (CNMX). Also called: X-linked centronuclear myopathy; Myotubular myopathy, X-linked; MYOTUBULAR MYOPATHY 1. Identifiers: Orphanet 596, MedGen C0410203, MONDO:0010683, OMIM 310400.

Submission:

Labcorp Genetics (formerly Invitae), Labcorp
Classification: Uncertain significance for Severe X-linked myotubular myopathy. Last evaluated: 2021-08-29. Review status: criteria provided, single submitter. Criteria: Invitae Variant Classification Sherloc (09022015). Collection method: clinical testing. Allele origin: germline.
Comment: In summary, the available evidence is currently insufficient to determine the role of this variant in disease. Therefore, it has been classified as a Variant of Uncertain Significance. Algorithms developed to predict the effect of missense changes on protein structure and function are either unavailable or do not agree on the potential impact of this missense change (SIFT: "Deleterious"; PolyPhen-2: "Probably Damaging"; Align-GVGD: "Class C0"). This variant has not been reported in the literature in individuals affected with MTM1-related conditions. This variant is not present in population databases (ExAC no frequency). This sequence change replaces histidine with arginine at codon 315 of the MTM1 protein (p.His315Arg). The histidine residue is highly conserved and there is a small physicochemical difference between histidine and arginine.